The following is an entry in ClinVar:

ClinVar aggregate classification (germline): Conflicting classifications of pathogenicity. Review status: criteria provided, conflicting classifications (1 of 4 stars). 5 submissions from 5 submitters: Uncertain significance (3); Likely benign (2). Last evaluated 2025-10-29.

Conditions:
Saldino-Mainzer syndrome (SRTD9). Also called: short-rib thoracic dysplasia 9 with or without polydactyly; SHORT-RIB THORACIC DYSPLASIA 9 WITHOUT POLYDACTYLY; Renal dysplasia, retinal pigmentary dystrophy, cerebellar ataxia and skeletal dysplasia; CONORENAL SYNDROME. Identifiers: Orphanet 140969, MedGen C1849437, MONDO:0009964, OMIM 266920.
Retinitis pigmentosa 80 (RP80). Identifiers: MedGen C4540439, MONDO:0054708, OMIM 617781.
IFT140-related disorder. Also called: IFT140-related condition.

Allele frequency attached by ClinVar (database versions not stated): TOPMed below 0.00001; gnomAD 0.00001 and 0.00005; gnomAD exomes 0.00006 and 0.00012; ExAC 0.00012; 1000 Genomes Project 30x 0.00016; 1000 Genomes Project 0.00020.
gnomAD v4.1: 98 of 1,614,242 alleles (0.0061%); highest among the groups gnomAD compares: South Asian, 0.096%; no homozygotes.

Submissions (5):

Labcorp Genetics (formerly Invitae), Labcorp
Classification: Likely benign for Saldino-Mainzer syndrome. Last evaluated: 2025-10-29. Review status: criteria provided, single submitter. Criteria: Invitae Variant Classification Sherloc (09022015). Collection method: clinical testing. Allele origin: germline.

PreventionGenetics, part of Exact Sciences
Classification: Uncertain significance for IFT140-related condition. Last evaluated: 2025-10-16. Review status: criteria provided, single submitter. Criteria: ACMG Guidelines, 2015. Collection method: clinical testing. Allele origin: germline.
Comment: The IFT140 c.298C>G variant is predicted to result in the amino acid substitution p.Leu100Val. To our knowledge, this variant has not been reported in the literature. This variant is reported in 0.098% of alleles in individuals of South Asian descent in gnomAD. Although we suspect that this variant may be benign, at this time, the clinical significance of this variant is uncertain due to the absence of conclusive functional and genetic evidence.

Blueprint Genetics
Classification: Likely benign. Last evaluated: 2024-10-01. Review status: criteria provided, single submitter. Criteria: ACMG Guidelines, 2015. Collection method: clinical testing. Allele origin: germline.

Fulgent Genetics
Classification: Uncertain significance for Saldino-Mainzer syndrome; Retinitis pigmentosa 80. Last evaluated: 2021-11-09. Review status: criteria provided, single submitter. Criteria: ACMG Guidelines, 2015. Collection method: clinical testing. Allele origin: unknown.

Illumina Laboratory Services, Illumina
Classification: Uncertain significance for Saldino-Mainzer syndrome. Last evaluated: 2018-01-13. Review status: criteria provided, single submitter. Criteria: ICSL Variant Classification Criteria 13 December 2019. Collection method: clinical testing. Allele origin: germline.

NM_014714.4(IFT140):c.298C>G (p.Leu100Val)

Genes: IFT140 (intraflagellar transport 140; minus strand), LOC105371046 (uncharacterized LOC105371046; plus strand). Cytogenetic location: 16p13.3.
Variant type: single nucleotide variant.
Coding change: c.298C>G on transcript NM_014714.4 (MANE Select); coding-DNA position 298, C replaced by G.
Protein change: p.Leu100Val; replaces leucine 100 with valine.
Molecular consequence: missense variant.
Genome position (GRCh38, 1-based): chr16:1,602,441, G>C on the plus strand (C>G on the coding strand, the complement: IFT140 is on the minus strand). VCF-style: chr16-1602441-G-C. GRCh37 (hg19) VCF-style: chr16-1652442-G-C.
Other names: short protein forms L100V.
Identifiers: ClinVar variation 318216 (VCV000318216.13), dbSNP rs546498421, ClinGen allele CA7814755.